The following is an entry in ClinVar:

NM_000445.5(PLEC):c.158T>C (p.Leu53Pro)

Gene: PLEC (plectin; minus strand). Cytogenetic location: 8q24.3.
Variant type: single nucleotide variant.
Coding change: c.158T>C on transcript NM_000445.5; coding-DNA position 158, T replaced by C.
Protein change: p.Leu53Pro; replaces leucine 53 with proline.
Molecular consequence: missense variant.
Genome position (GRCh38, 1-based): chr8:143,975,212, A>G on the plus strand (T>C on the coding strand, the complement: PLEC is on the minus strand). VCF-style: chr8-143975212-A-G. GRCh37 (hg19) VCF-style: chr8-145049380-A-G.
Other names: c.158T>C, p.Leu53Pro (NM_001410941.1); short protein forms L53P.
Identifiers: ClinVar variation 448054 (VCV000448054.8), dbSNP rs781861668, ClinGen allele CA4929143.

ClinVar aggregate classification (germline): Uncertain significance. Review status: criteria provided, multiple submitters, no conflicts (2 of 4 stars). 2 submissions from 2 submitters: Uncertain significance (2). Last evaluated 2025-03-27.

Conditions:
Epidermolysis bullosa simplex 5B, with muscular dystrophy (EBS5B). Also called: EPIDERMOLYSIS BULLOSA SIMPLEX AND LIMB-GIRDLE MUSCULAR DYSTROPHY; Epidermolysis bullosa simplex with muscular dystrophy. Identifiers: Orphanet 257, MedGen C2931072, MONDO:0009181, OMIM 226670.
Epidermolysis bullosa simplex with nail dystrophy (EBS5D). Identifiers: MedGen C4225309, MONDO:0014661, OMIM 616487.
Epidermolysis bullosa simplex, Ogna type (EBS5A). Also called: Pidermolysis bullosa simplex 5A, Ogna type; EPIDERMOLYSIS BULLOSA SIMPLEX 5A, OGNA TYPE. Identifiers: Orphanet 79401, MedGen C0432317, MONDO:0007555, OMIM 131950.
Epidermolysis bullosa simplex 5C, with pyloric atresia (EBS5C). Also called: PLEC-Related Epidermolysis Bullosa with Pyloric Atresia; Epidermolysis bullosa simplex with pyloric atresia; PLEC1-Related Epidermolysis Bullosa with Pyloric Atresia. Identifiers: Orphanet 158684, MedGen C2677349, MONDO:0012807, OMIM 612138.
Autosomal recessive limb-girdle muscular dystrophy type 2Q (LGMDR17). Also called: MUSCULAR DYSTROPHY, LIMB-GIRDLE, AUTOSOMAL RECESSIVE 17. Identifiers: Orphanet 254361, MedGen C3150989, MONDO:0013390, OMIM 613723.

Allele frequency attached by ClinVar (database versions not stated): gnomAD exomes 0.00002 and 0.00010; ExAC 0.00008; TOPMed 0.00003; gnomAD 0.00001.
gnomAD v4.1: 30 of 1,603,536 alleles (0.0019%); highest among the groups gnomAD compares: Admixed American, 0.05%; no homozygotes.

Submissions (2):

Labcorp Genetics (formerly Invitae), Labcorp
Classification: Uncertain significance for Autosomal recessive limb-girdle muscular dystrophy type 2Q; Epidermolysis bullosa simplex, Ogna type; Epidermolysis bullosa simplex with nail dystrophy; Epidermolysis bullosa simplex 5C, with pyloric atresia; Epidermolysis bullosa simplex 5B, with muscular dystrophy. Last evaluated: 2025-03-27. Review status: criteria provided, single submitter. Criteria: Invitae Variant Classification Sherloc (09022015). Collection method: clinical testing. Allele origin: germline.
Comment: This sequence change replaces leucine, which is neutral and non-polar, with proline, which is neutral and non-polar, at codon 53 of the PLEC protein (p.Leu53Pro). This variant is present in population databases (rs781861668, gnomAD 0.07%). This variant has not been reported in the literature in individuals affected with PLEC-related conditions. ClinVar contains an entry for this variant (Variation ID: 448054). Experimental studies and prediction algorithms are not available or were not evaluated, and the functional significance of this variant is currently unknown. In summary, the available evidence is currently insufficient to determine the role of this variant in disease. Therefore, it has been classified as a Variant of Uncertain Significance.

Athena Diagnostics
Classification: Uncertain significance. Last evaluated: 2017-07-19. Review status: criteria provided, single submitter. Criteria: Athena Diagnostics Criteria. Collection method: clinical testing. Allele origin: germline.